The following is an entry in ClinVar:

NM_000361.3(THBD):c.1546G>C (p.Gly516Arg)

Gene: THBD (thrombomodulin; minus strand). Cytogenetic location: 20p11.21.
Variant type: single nucleotide variant.
Coding change: c.1546G>C on transcript NM_000361.3 (MANE Select); coding-DNA position 1546, G replaced by C.
Protein change: p.Gly516Arg; replaces glycine 516 with arginine.
Molecular consequence: missense variant.
Genome position (GRCh38, 1-based): chr20:23,047,959, C>G on the plus strand (G>C on the coding strand, the complement: THBD is on the minus strand). VCF-style: chr20-23047959-C-G. GRCh37 (hg19) VCF-style: chr20-23028596-C-G.
Other names: short protein forms G516R.
Identifiers: ClinVar variation 1464704 (VCV001464704.9), dbSNP rs138861385, ClinGen allele CA9787531.
Genomic context (GRCh38, chr20:23,047,959, plus strand): 5'-GGAGCGCCAAAAGCGCCACCACCAGGCACAGGCTCGCGATGGAGATGCCTATGAGCAAGC[C>G]CGAATGCACGAGCCCCACGGCCGGAGGAGTCAAGGTGGAGCCGGGCGTCGGGCTGGGCGG-3'
Protein context (NP_000352.1, residues 506-526): TPPAVGLVHS[Gly516Arg]LLIGISIASL

ClinVar aggregate classification (germline): Uncertain significance. Review status: criteria provided, multiple submitters, no conflicts (2 of 4 stars). 3 submissions from 3 submitters: Uncertain significance (3). Last evaluated 2025-11-11.

Conditions:
Thrombomodulin-related bleeding disorder (THPH12). Also called: Thrombophilia due to thrombomodulin defect. Identifiers: Orphanet 436169, MedGen C3280976, MONDO:0013775, OMIM 614486.
Atypical hemolytic-uremic syndrome with thrombomodulin anomaly. Also called: HEMOLYTIC UREMIC SYNDROME, ATYPICAL, SUSCEPTIBILITY TO, 6; AHUS, SUSCEPTIBILITY TO, 6. Identifiers: MedGen C2752036, MONDO:0013044, OMIM 612926. Disease mechanism: gain of function.

Allele frequency attached by ClinVar (database versions not stated): gnomAD exomes 0.00001 and 0.00004; TOPMed 0.00001; ExAC 0.00002; 1000 Genomes Project 30x 0.00016; 1000 Genomes Project 0.00020.

Submissions (3):

Labcorp Genetics (formerly Invitae), Labcorp
Classification: Uncertain significance. Last evaluated: 2025-11-11. Review status: criteria provided, single submitter. Criteria: Invitae Variant Classification Sherloc (09022015). Collection method: clinical testing. Allele origin: germline.
Comment: This sequence change replaces glycine, which is neutral and non-polar, with arginine, which is basic and polar, at codon 516 of the THBD protein (p.Gly516Arg). This variant is present in population databases (rs138861385, gnomAD 0.003%). This variant has not been reported in the literature in individuals affected with THBD-related conditions. ClinVar contains an entry for this variant (Variation ID: 1464704). Invitae Evidence Modeling of protein sequence and biophysical properties (such as structural, functional, and spatial information, amino acid conservation, physicochemical variation, residue mobility, and thermodynamic stability) has been performed for this missense variant. However, the output from this modeling did not meet the statistical confidence thresholds required to predict the impact of this variant on THBD protein function. In summary, the available evidence is currently insufficient to determine the role of this variant in disease. Therefore, it has been classified as a Variant of Uncertain Significance.

Genomenon, Inc
Classification: Uncertain significance for Thrombomodulin-related bleeding disorder. Last evaluated: 2025-09-22. Review status: criteria provided, single submitter. Criteria: Genomenon Sequence Variant Interpretation Standards - Updated. Collection method: curation. Allele origin: germline. Affected: no.
Comment: THBD p.Gly516Arg (c.1546G>C) is a missense variant that changes the amino acid at residue 516 from Glycine to Arginine. This variant has been reported in the published literature (PMID:34970867). It is absent or not present at a significant frequency in gnomAD. In conclusion, we classify THBD p.Gly516Arg (c.1546G>C) as a variant of unknown significance.

Fulgent Genetics
Classification: Uncertain significance for Atypical hemolytic-uremic syndrome with thrombomodulin anomaly; Thrombomodulin-related bleeding disorder. Last evaluated: 2024-04-23. Review status: criteria provided, single submitter. Criteria: ACMG Guidelines, 2015. Collection method: clinical testing. Allele origin: germline.

Literature cited by the submitters: PubMed 34970867 (cited by Genomenon, Inc).